The following is an entry in ClinVar:

NM_002519.3(NPAT):c.2159C>A (p.Thr720Asn)

Gene: NPAT (nuclear protein, coactivator of histone transcription; minus strand). Cytogenetic location: 11q22.3.
Variant type: single nucleotide variant.
Coding change: c.2159C>A on transcript NM_002519.3 (MANE Select); coding-DNA position 2159, C replaced by A.
Protein change: p.Thr720Asn; replaces threonine 720 with asparagine.
Molecular consequence: missense variant.
Genome position (GRCh38, 1-based): chr11:108,172,825, G>T on the plus strand (C>A on the coding strand, the complement: NPAT is on the minus strand). VCF-style: chr11-108172825-G-T. GRCh37 (hg19) VCF-style: chr11-108043552-G-T.
Other names: c.2159C>A, p.Thr720Asn (NM_001321307.1); short protein forms T720N.
Identifiers: ClinVar variation 2034851 (VCV002034851.4), dbSNP rs1279672571, ClinGen allele CA382513565.

ClinVar aggregate classification (germline): Uncertain significance (1 of 4 stars; one submission).

Submission:

Labcorp Genetics (formerly Invitae), Labcorp
Classification: Uncertain significance. Last evaluated: 2023-12-11. Review status: criteria provided, single submitter. Criteria: Invitae Variant Classification Sherloc (09022015). Collection method: clinical testing. Allele origin: germline.
Comment: This sequence change replaces threonine, which is neutral and polar, with asparagine, which is neutral and polar, at codon 720 of the NPAT protein (p.Thr720Asn). This variant is not present in population databases (gnomAD no frequency). This variant has not been reported in the literature in individuals affected with NPAT-related conditions. ClinVar contains an entry for this variant (Variation ID: 2034851). An algorithm developed to predict the effect of missense changes on protein structure and function (PolyPhen-2) suggests that this variant is likely to be tolerated. In summary, the available evidence is currently insufficient to determine the role of this variant in disease. Therefore, it has been classified as a Variant of Uncertain Significance.